The following is an entry in ClinVar:

NM_001458.5(FLNC):c.1213_1214delinsAA (p.Ala405Asn)

Gene: FLNC (filamin C; plus strand). Cytogenetic location: 7q32.1.
Variant type: Indel.
Coding change: c.1213_1214delinsAA on transcript NM_001458.5 (MANE Select); coding-DNA positions 1213 to 1214, GC replaced by AA.
Protein change: p.Ala405Asn; replaces alanine 405 with asparagine.
Molecular consequence: missense variant.
Genome position (GRCh38, 1-based): chr7:128,838,605-128,838,606, GC replaced by AA. VCF-style: chr7-128838605-GC-AA. GRCh37 (hg19) VCF-style: chr7-128478659-GC-AA.
Other names: c.1213_1214delinsAA, p.Ala405Asn (NM_001127487.2); c.1213_1214delGCinsAA, p.Ala405Asn (NM_001458.4); short protein forms A405N.
Identifiers: ClinVar variation 4538951 (VCV004538951.1).

ClinVar aggregate classification (germline): Uncertain significance (1 of 4 stars; one submission).

Submission:

GeneDx
Classification: Uncertain significance. Last evaluated: 2025-06-18. Review status: criteria provided, single submitter. Criteria: GeneDx Variant Classification Process June 2021. Collection method: clinical testing. Allele origin: germline. Affected: yes.
Comment: Not observed at significant frequency in large population cohorts (gnomAD); In silico analysis supports a deleterious effect on protein structure/function; Has not been previously published as pathogenic or benign to our knowledge